The following is an entry in ClinVar:

ClinVar aggregate classification (germline): Uncertain significance (1 of 4 stars; one submission).

Conditions:
PLXNA4-related disorder. Also called: PLXNA4-related condition.

gnomAD v4.1: 13 of 1,614,200 alleles (0.00081%); highest among the groups gnomAD compares: Middle Eastern, 0.016%; no homozygotes.

Submission:

PreventionGenetics, part of Exact Sciences
Classification: Uncertain significance for PLXNA4-related condition. Last evaluated: 2025-01-29. Review status: criteria provided, single submitter. Criteria: ACMG Guidelines, 2015. Collection method: clinical testing. Allele origin: germline.
Comment: The PLXNA4 c.3580G>A variant is predicted to result in the amino acid substitution p.Val1194Met. To our knowledge, this variant has not been reported in the literature. This variant is reported in 0.0029% of alleles in individuals of Latino descent in gnomAD. At this time, the clinical significance of this variant is uncertain due to the absence of conclusive functional and genetic evidence.

NM_020911.2(PLXNA4):c.3580G>A (p.Val1194Met)

Gene: PLXNA4 (plexin A4; minus strand). Cytogenetic location: 7q32.3.
Variant type: single nucleotide variant.
Coding change: c.3580G>A on transcript NM_020911.2 (MANE Select); coding-DNA position 3580, G replaced by A.
Protein change: p.Val1194Met; replaces valine 1194 with methionine.
Molecular consequence: missense variant.
Genome position (GRCh38, 1-based): chr7:132,180,645, C>T on the plus strand (G>A on the coding strand, the complement: PLXNA4 is on the minus strand). VCF-style: chr7-132180645-C-T. GRCh37 (hg19) VCF-style: chr7-131865404-C-T.
Other names: c.3580G>A, p.Val1194Met (NM_001393897.1); short protein forms V1194M.
Identifiers: ClinVar variation 4997676 (VCV004997676.1).